The following is an entry in ClinVar:

NM_025099.6(CTC1):c.3281C>T (p.Ala1094Val)

Gene: CTC1 (CST telomere replication complex component 1; minus strand). Cytogenetic location: 17p13.1.
Variant type: single nucleotide variant.
Coding change: c.3281C>T on transcript NM_025099.6 (MANE Select); coding-DNA position 3281, C replaced by T.
Protein change: p.Ala1094Val; replaces alanine 1094 with valine.
Molecular consequence: missense variant. On other transcripts: non-coding transcript variant (1).
Genome position (GRCh38, 1-based): chr17:8,228,833, G>A on the plus strand (C>T on the coding strand, the complement: CTC1 is on the minus strand). VCF-style: chr17-8228833-G-A. GRCh37 (hg19) VCF-style: chr17-8132151-G-A.
Other names: short protein forms A1094V.
Identifiers: ClinVar variation 654789 (VCV000654789.7), dbSNP rs536983035, ClinGen allele CA8371816.

ClinVar aggregate classification (germline): Uncertain significance. Review status: criteria provided, multiple submitters, no conflicts (2 of 4 stars). 3 submissions from 3 submitters: Uncertain significance (3). Last evaluated 2025-07-23.

Conditions:
Inborn genetic diseases. Identifiers: MedGen C0950123, MeSH D030342.
Dyskeratosis congenita. Identifiers: Orphanet 1775, MedGen C0265965, MONDO:0015780.

Allele frequency attached by ClinVar (database versions not stated): ExAC 0.00002; gnomAD exomes 0.00002 and 0.00006; TOPMed 0.00004; gnomAD 0.00005.
gnomAD v4.1: 92 of 1,613,912 alleles (0.0057%); highest among the groups gnomAD compares: Non-Finnish European, 0.0074%; no homozygotes.

Submissions (3):

Labcorp Genetics (formerly Invitae), Labcorp
Classification: Uncertain significance for Dyskeratosis congenita. Last evaluated: 2025-07-23. Review status: criteria provided, single submitter. Criteria: Invitae Variant Classification Sherloc (09022015). Collection method: clinical testing. Allele origin: germline.
Comment: This sequence change replaces alanine, which is neutral and non-polar, with valine, which is neutral and non-polar, at codon 1094 of the CTC1 protein (p.Ala1094Val). This variant is present in population databases (rs536983035, gnomAD 0.004%). This variant has not been reported in the literature in individuals affected with CTC1-related conditions. ClinVar contains an entry for this variant (Variation ID: 654789). Invitae Evidence Modeling of protein sequence and biophysical properties (such as structural, functional, and spatial information, amino acid conservation, physicochemical variation, residue mobility, and thermodynamic stability) indicates that this missense variant is expected to disrupt CTC1 protein function with a positive predictive value of 80%. In summary, the available evidence is currently insufficient to determine the role of this variant in disease. Therefore, it has been classified as a Variant of Uncertain Significance.

Blueprint Genetics
Classification: Uncertain significance. Last evaluated: 2024-02-09. Review status: criteria provided, single submitter. Criteria: ACMG Guidelines, 2015. Collection method: clinical testing. Allele origin: germline.

Ambry Genetics
Classification: Uncertain significance for Inborn genetic diseases. Last evaluated: 2022-01-04. Review status: criteria provided, single submitter. Criteria: Ambry Variant Classification Scheme 2023. Collection method: clinical testing. Allele origin: germline.